The following is an entry in ClinVar:

NM_001666.5(ARHGAP4):c.682-354G>A

Gene: ARHGAP4 (Rho GTPase activating protein 4; minus strand). Cytogenetic location: Xq28.
Variant type: single nucleotide variant.
Coding change: c.682-354G>A on transcript NM_001666.5 (MANE Select); 354 bases into the intron before coding-DNA position 682, G replaced by A.
Molecular consequence: intron variant. On other transcripts: missense variant (1).
Genome position (GRCh38, 1-based): chrX:153,919,637, C>T on the plus strand (G>A on the coding strand, the complement: ARHGAP4 is on the minus strand). VCF-style: chrX-153919637-C-T. GRCh37 (hg19) VCF-style: chrX-153185091-C-T.
Other names: c.731G>A, p.Cys244Tyr (NM_001164741.2); short protein forms C244Y.
Identifiers: ClinVar variation 2661759 (VCV002661759.24), dbSNP rs782353175, ClinGen allele CA10555881.

ClinVar aggregate classification (germline): Likely benign (1 of 4 stars; one submission).

Allele frequency attached by ClinVar (database versions not stated): gnomAD exomes below 0.00001; gnomAD 0.00001; TOPMed 0.00002; ExAC 0.00008.
gnomAD v4.1: 2 of 1,165,395 alleles (0.00017%); highest among the groups gnomAD compares: African/African-American, 0.0018%; no homozygotes.

Submission:

CeGaT Center for Human Genetics Tuebingen
Classification: Likely benign. Last evaluated: 2022-09-01. Review status: criteria provided, single submitter. Criteria: CeGaT Center For Human Genetics Tuebingen Variant Classification Criteria Version 2. Collection method: clinical testing. Allele origin: germline. Affected: yes. Observed: 1 variant allele.
Comment: ARHGAP4: BP4